The following is an entry in ClinVar:

NM_177438.3(DICER1):c.3427C>A (p.Leu1143Ile)

Gene: DICER1 (dicer 1, ribonuclease III; minus strand). Cytogenetic location: 14q32.13.
Variant type: single nucleotide variant.
Coding change: c.3427C>A on transcript NM_177438.3 (MANE Select); coding-DNA position 3427, C replaced by A.
Protein change: p.Leu1143Ile; replaces leucine 1143 with isoleucine.
Molecular consequence: missense variant.
Genome position (GRCh38, 1-based): chr14:95,103,969, G>T on the plus strand (C>A on the coding strand, the complement: DICER1 is on the minus strand). VCF-style: chr14-95103969-G-T. GRCh37 (hg19) VCF-style: chr14-95570306-G-T.
Other names: c.3427C>A, p.Leu1143Ile (NM_001195573.1, NM_001271282.3, NM_001291628.2 and 1 more transcripts); short protein forms L1143I.
Identifiers: ClinVar variation 857537 (VCV000857537.14), dbSNP rs375211466, ClinGen allele CA7331041.
Genomic context (GRCh38, chr14:95,103,969, plus strand): 5'-TACCAGGGGACTCGCTGAGCAACGTTCTGCAGTTCACAGACATTTGGTCATGATTTTCTA[G>T]AGAGGAGGTTCTATTAGCACCTTGATGTGCAGCATTTTCAGGGACAATTGTGCTGTGCTT-3'
Protein context (NP_803187.1, residues 1133-1153): AHQGANRTSS[Leu1143Ile]ENHDQMSVNC

ClinVar aggregate classification (germline): Uncertain significance. Review status: criteria provided, multiple submitters, no conflicts (2 of 4 stars). 2 submissions from 2 submitters: Uncertain significance (2). Last evaluated 2025-03-28.

Conditions:
Hereditary cancer-predisposing syndrome. Also called: Hereditary neoplastic syndrome; Tumor predisposition; Neoplastic Syndromes, Hereditary; Hereditary Cancer Syndrome. Identifiers: Orphanet 140162, MedGen C0027672, MeSH D009386, MONDO:0015356.
DICER1-related tumor predisposition. Also called: DICER1 syndrome; DICER1-related pleuropulmonary blastoma cancer predisposition syndrome. Identifiers: Orphanet 284343, MedGen C3839822, MONDO:0100216.

Allele frequency attached by ClinVar (database versions not stated): gnomAD exomes below 0.00001; TOPMed below 0.00001; ExAC 0.00001; gnomAD 0.00002; ESP Exome Variant Server 0.00008.
gnomAD v4.1: 4 of 1,614,064 alleles (0.00025%); highest among the groups gnomAD compares: African/African-American, 0.0053%; no homozygotes.

Submissions (2):

Ambry Genetics
Classification: Uncertain significance for Hereditary cancer-predisposing syndrome. Last evaluated: 2025-03-28. Review status: criteria provided, single submitter. Criteria: Ambry Variant Classification Scheme 2023. Collection method: clinical testing. Allele origin: germline.
Comment: The p.L1143I variant (also known as c.3427C>A), located in coding exon 20 of the DICER1 gene, results from a C to A substitution at nucleotide position 3427. The leucine at codon 1143 is replaced by isoleucine, an amino acid with highly similar properties. This amino acid position is not well conserved in available vertebrate species. In addition, this alteration is predicted to be tolerated by in silico analysis. Since supporting evidence is limited at this time, the clinical significance of this alteration remains unclear.

Labcorp Genetics (formerly Invitae), Labcorp
Classification: Uncertain significance for DICER1-related tumor predisposition. Last evaluated: 2024-03-19. Review status: criteria provided, single submitter. Criteria: Invitae Variant Classification Sherloc (09022015). Collection method: clinical testing. Allele origin: germline.
Comment: This sequence change replaces leucine, which is neutral and non-polar, with isoleucine, which is neutral and non-polar, at codon 1143 of the DICER1 protein (p.Leu1143Ile). This variant is present in population databases (rs375211466, gnomAD 0.01%). This variant has not been reported in the literature in individuals affected with DICER1-related conditions. ClinVar contains an entry for this variant (Variation ID: 857537). Advanced modeling of protein sequence and biophysical properties (such as structural, functional, and spatial information, amino acid conservation, physicochemical variation, residue mobility, and thermodynamic stability) performed at Invitae indicates that this missense variant is not expected to disrupt DICER1 protein function with a negative predictive value of 80%. In summary, the available evidence is currently insufficient to determine the role of this variant in disease. Therefore, it has been classified as a Variant of Uncertain Significance.